The following is an entry in ClinVar:

ClinVar aggregate classification (germline): Uncertain significance (1 of 4 stars; one submission).

Allele frequency attached by ClinVar (database versions not stated): ExAC 0.00001.
gnomAD v4.1: 3 of 1,612,596 alleles (0.00019%); highest among the groups gnomAD compares: Admixed American, 0.005%; no homozygotes.

Submission:

Labcorp Genetics (formerly Invitae), Labcorp
Classification: Uncertain significance. Last evaluated: 2024-04-22. Review status: criteria provided, single submitter. Criteria: Invitae Variant Classification Sherloc (09022015). Collection method: clinical testing. Allele origin: germline.
Comment: This sequence change replaces tryptophan, which is neutral and slightly polar, with cysteine, which is neutral and slightly polar, at codon 384 of the ADSSL1 protein (p.Trp384Cys). This variant is present in population databases (rs780789918, gnomAD 0.009%). This variant has not been reported in the literature in individuals affected with ADSSL1-related conditions. ClinVar contains an entry for this variant (Variation ID: 2011610). An algorithm developed to predict the effect of missense changes on protein structure and function (PolyPhen-2) suggests that this variant is likely to be disruptive. In summary, the available evidence is currently insufficient to determine the role of this variant in disease. Therefore, it has been classified as a Variant of Uncertain Significance.

NM_152328.5(ADSS1):c.1023G>C (p.Trp341Cys)

Gene: ADSS1 (adenylosuccinate synthase 1; plus strand). Cytogenetic location: 14q32.33.
Variant type: single nucleotide variant.
Coding change: c.1023G>C on transcript NM_152328.5 (MANE Select); coding-DNA position 1023, G replaced by C.
Protein change: p.Trp341Cys; replaces tryptophan 341 with cysteine.
Molecular consequence: missense variant.
Genome position (GRCh38, 1-based): chr14:104,743,141, G>C. VCF-style: chr14-104743141-G-C. GRCh37 (hg19) VCF-style: chr14-105209478-G-C.
Other names: c.408G>C, p.Trp136Cys (NM_001320424.1); c.1152G>C, p.Trp384Cys (NM_199165.2); short protein forms W341C, W136C, W384C.
Identifiers: ClinVar variation 2011610 (VCV002011610.4), dbSNP rs780789918, ClinGen allele CA7373978.
Genomic context (GRCh38, chr14:104,743,141, plus strand): 5'-GCTGCAGACCCGCGGCCACGAGTGGGGAGTGACCACAGGCAGGAAGAGGCGCTGCGGCTG[G>C]CTCGACCTGATGATTCTAAGATATGCTCACATGGTCAACGGATTCACTGCGTAAGCAACC-3'
Protein context (NP_689541.1, residues 331-351): VTTGRKRRCG[Trp341Cys]LDLMILRYAH